The following is an entry in ClinVar:

ClinVar aggregate classification (germline): Uncertain significance (1 of 4 stars; one submission).

Conditions:
Myofibrillar myopathy 5. Also called: Filaminopathy (type); FILAMINOPATHY, AUTOSOMAL DOMINANT. Identifiers: Orphanet 171445, MedGen C1836050, MONDO:0012289, OMIM 609524.
Distal myopathy with posterior leg and anterior hand involvement. Also called: WILLIAMS DISTAL MYOPATHY. Identifiers: Orphanet 63273, MedGen C3279722, MONDO:0013550, OMIM 614065.
Hypertrophic cardiomyopathy 26. Also called: Cardiomyopathy, familial hypertrophic, 26. Identifiers: Orphanet 75249, MedGen C4310749, MONDO:0014883, OMIM 617047.

Allele frequency attached by ClinVar (database versions not stated): gnomAD exomes below 0.00001.
gnomAD v4.1: 3 of 1,613,826 alleles (0.00019%); highest among the groups gnomAD compares: Non-Finnish European, 0.00017%; no homozygotes.

Submission:

Labcorp Genetics (formerly Invitae), Labcorp
Classification: Uncertain significance for Distal myopathy with posterior leg and anterior hand involvement; Myofibrillar myopathy 5; Hypertrophic cardiomyopathy 26. Last evaluated: 2026-01-13. Review status: criteria provided, single submitter. Criteria: Invitae Variant Classification Sherloc (09022015). Collection method: clinical testing. Allele origin: germline.
Comment: This sequence change replaces glycine, which is neutral and non-polar, with aspartic acid, which is acidic and polar, at codon 1171 of the FLNC protein (p.Gly1171Asp). This variant is present in population databases (no rsID available, gnomAD 0.0009%). This variant has not been reported in the literature in individuals affected with FLNC-related conditions. ClinVar contains an entry for this variant (Variation ID: 970191). Invitae Evidence Modeling of protein sequence and biophysical properties (such as structural, functional, and spatial information, amino acid conservation, physicochemical variation, residue mobility, and thermodynamic stability) has been performed for this missense variant. However, the output from this modeling did not meet the statistical confidence thresholds required to predict the impact of this variant on FLNC protein function. In summary, the available evidence is currently insufficient to determine the role of this variant in disease. Therefore, it has been classified as a Variant of Uncertain Significance.

NM_001458.5(FLNC):c.3512G>A (p.Gly1171Asp)

Gene: FLNC (filamin C; plus strand). Cytogenetic location: 7q32.1.
Variant type: single nucleotide variant.
Coding change: c.3512G>A on transcript NM_001458.5 (MANE Select); coding-DNA position 3512, G replaced by A.
Protein change: p.Gly1171Asp; replaces glycine 1171 with aspartic acid.
Molecular consequence: missense variant.
Genome position (GRCh38, 1-based): chr7:128,844,977, G>A. VCF-style: chr7-128844977-G-A. GRCh37 (hg19) VCF-style: chr7-128485031-G-A.
Other names: c.3512G>A, p.Gly1171Asp (NM_001127487.2); short protein forms G1171D.
Identifiers: ClinVar variation 970191 (VCV000970191.10), dbSNP rs1298622480, ClinGen allele CA369197134.